The following is an entry in ClinVar:

ClinVar aggregate classification (germline): Likely pathogenic (1 of 4 stars; one submission).

Conditions:
Coffin-Siris syndrome 1 (CSS1). Also called: Mental retardation, autosomal dominant 12; ARID1B-Related Coffin-Siris Syndrome. Identifiers: Orphanet 1465, MedGen C3281201, MONDO:0007617, OMIM 135900. Disease mechanism: gain of function.

Submission:

Laboratorio de Genetica e Diagnostico Molecular, Hospital Israelita Albert Einstein
Classification: Likely pathogenic for Coffin-Siris syndrome 1. Last evaluated: 2023-11-29. Review status: criteria provided, single submitter. Criteria: ACMG Guidelines, 2015. Collection method: clinical testing. Allele origin: germline. Affected: yes.
Comment: ACMG classification criteria: PVS1 very strong, PM2 moderate

NM_001374828.1(ARID1B):c.3508_3511dup (p.Ser1171fs)

Gene: ARID1B (AT-rich interaction domain 1B; plus strand). Cytogenetic location: 6q25.3.
Variant type: Duplication.
Coding change: c.3508_3511dup on transcript NM_001374828.1 (MANE Select); coding-DNA positions 3508 to 3511, 4 bases duplicated (TCCA; older notation c.3508_3511dupTCCA).
Protein change: p.Ser1171fs; shifts the reading frame from serine 1171.
Molecular consequence: frameshift variant.
Genome position (GRCh38, 1-based): chr6:157,180,972-157,180,975, TCCA duplicated. VCF-style (leftmost placement, unchanged base first): chr6-157180971-G-GTCCA. GRCh37 (hg19) VCF-style: chr6-157502105-G-GTCCA.
Other names: c.1009_1012dup, p.Ser338fs (NM_001363725.2); c.3388_3391dup, p.Ser1131fs (NM_001371656.1, NM_001374820.1); c.3349_3352dup, p.Ser1118fs (NM_017519.3); short protein forms S1118fs, S1131fs, S1171fs, S338fs.
Identifiers: ClinVar variation 3901075 (VCV003901075.1).
Genomic context (GRCh38, chr6:157,180,971, plus strand): 5'-CTTCCCTCTCCCTCTGCCCACCCATGCCCCACCTCCACATGCTGCTTCTGGGTACTAGAA[G>GTCCA]TCCAGCTCCTCCACCACTACTGGGGAGAAGATCACGAAGGTGTACGAGCTGGGGAATGAG-3'